The following is an entry in ClinVar:

NM_022124.6(CDH23):c.5095G>A (p.Asp1699Asn)

Gene: CDH23 (cadherin related 23; plus strand). Cytogenetic location: 10q22.1.
Variant type: single nucleotide variant.
Coding change: c.5095G>A on transcript NM_022124.6 (MANE Select); coding-DNA position 5095, G replaced by A.
Protein change: p.Asp1699Asn; replaces aspartic acid 1699 with asparagine.
Molecular consequence: missense variant.
Genome position (GRCh38, 1-based): chr10:71,778,216, G>A. VCF-style: chr10-71778216-G-A. GRCh37 (hg19) VCF-style: chr10-73537973-G-A.
Other names: short protein forms D1699N.
Identifiers: ClinVar variation 1388786 (VCV001388786.5), dbSNP rs1443092965, ClinGen allele CA377140643.
Genomic context (GRCh38, chr10:71,778,216, plus strand): 5'-GATCCATCCTTGTCCCTTCCCTGTGTCCCCCAGGGTGTCATCACTGCTGCCAAAGAGCTG[G>A]ACTACGAGATCAGCCACGGCCGCTACACCCTGATCGTCACTGCCACAGACCAGTGCCCCA-3'
Protein context (NP_071407.4, residues 1689-1709): MGVITAAKEL[Asp1699Asn]YEISHGRYTL

ClinVar aggregate classification (germline): Uncertain significance (1 of 4 stars; one submission).

Allele frequency attached by ClinVar (database versions not stated): gnomAD exomes below 0.00001; TOPMed below 0.00001; gnomAD 0.00001.
gnomAD v4.1: 5 of 1,613,662 alleles (0.00031%); highest among the groups gnomAD compares: Non-Finnish European, 0.00042%; no homozygotes.

Submission:

Labcorp Genetics (formerly Invitae), Labcorp
Classification: Uncertain significance. Last evaluated: 2021-10-14. Review status: criteria provided, single submitter. Criteria: Invitae Variant Classification Sherloc (09022015). Collection method: clinical testing. Allele origin: germline.
Comment: This sequence change replaces aspartic acid with asparagine at codon 1699 of the CDH23 protein (p.Asp1699Asn). The aspartic acid residue is highly conserved and there is a small physicochemical difference between aspartic acid and asparagine. This variant is not present in population databases (ExAC no frequency). This variant has not been reported in the literature in individuals affected with CDH23-related conditions. Algorithms developed to predict the effect of missense changes on protein structure and function are either unavailable or do not agree on the potential impact of this missense change (SIFT: "Deleterious"; PolyPhen-2: "Not Available"; Align-GVGD: "Class C15"). In summary, the available evidence is currently insufficient to determine the role of this variant in disease. Therefore, it has been classified as a Variant of Uncertain Significance.